The following is an entry in ClinVar:

NM_016628.5(WAC):c.1085T>A (p.Leu362His)

Gene: WAC (WW domain containing adaptor with coiled-coil; plus strand). Cytogenetic location: 10p12.1.
Variant type: single nucleotide variant.
Coding change: c.1085T>A on transcript NM_016628.5 (MANE Select); coding-DNA position 1085, T replaced by A.
Protein change: p.Leu362His; replaces leucine 362 with histidine.
Molecular consequence: missense variant.
Genome position (GRCh38, 1-based): chr10:28,608,351, T>A. VCF-style: chr10-28608351-T-A. GRCh37 (hg19) VCF-style: chr10-28897280-T-A.
Other names: c.950T>A, p.Leu317His (NM_100264.3); c.776T>A, p.Leu259His (NM_100486.4); short protein forms L259H, L317H, L362H.
Identifiers: ClinVar variation 3336253 (VCV003336253.1).

ClinVar aggregate classification (germline): Uncertain significance (1 of 4 stars; one submission).

gnomAD v4.1: 3 of 1,614,124 alleles (0.00019%); highest among the groups gnomAD compares: Non-Finnish European, 0.00025%; no homozygotes.

Submission:

Women's Health and Genetics/Laboratory Corporation of America, LabCorp
Classification: Uncertain significance. Last evaluated: 2024-05-02. Review status: criteria provided, single submitter. Criteria: LabCorp Variant Classification Summary - May 2015. Collection method: clinical testing. Allele origin: germline.
Comment: Variant summary: WAC c.1085T>A (p.Leu362His) results in a non-conservative amino acid change in the encoded protein sequence. Three of five in-silico tools predict a damaging effect of the variant on protein function. The variant allele was found at a frequency of 4e-06 in 251240 control chromosomes. The available data on variant occurrences in the general population are insufficient to allow any conclusion about variant significance. To our knowledge, no occurrence of c.1085T>A in individuals affected with Desanto-Shinawi Syndrome and no experimental evidence demonstrating its impact on protein function have been reported. No submitters have cited clinical-significance assessments for this variant to ClinVar. Based on the evidence outlined above, the variant was classified as uncertain significance.